The following is an entry in ClinVar:

NM_001012614.2(CTBP1):c.527A>G (p.Gln176Arg)

Genes: CTBP1 (C-terminal binding protein 1; minus strand), CTBP1-AS (CTBP1 antisense RNA; plus strand). Cytogenetic location: 4p16.3.
Variant type: single nucleotide variant.
Coding change: c.527A>G on transcript NM_001012614.2 (MANE Select); coding-DNA position 527, A replaced by G.
Protein change: p.Gln176Arg; replaces glutamine 176 with arginine.
Molecular consequence: missense variant. On other transcripts: non-coding transcript variant (1).
Genome position (GRCh38, 1-based): chr4:1,216,193, T>C on the plus strand (A>G on the coding strand, the complement: CTBP1 is on the minus strand). VCF-style: chr4-1216193-T-C. GRCh37 (hg19) VCF-style: chr4-1209981-T-C.
Other names: c.527A>G, p.Gln176Arg (NM_001377188.1, NM_001377189.1, NM_001377190.1 and 4 more transcripts); c.560A>G, p.Gln187Arg (NM_001328.3, NM_001377186.1); short protein forms Q187R, Q176R.
Identifiers: ClinVar variation 2701365 (VCV002701365.3), dbSNP rs2535050944, ClinGen allele CA355949370.
Genomic context (GRCh38, chr4:1,216,193, plus strand): 5'-AAGTAAGGGTCGTAGAAGAGCACGTTGAAGCCGAAGGCCTTGGCCCGCAGCGCCACTGCC[T>C]GCCCCACGCGACCTGGTGGCGTCAAGACACAGTGTGAGACCCTTGCTCACCCGTGGCCGG-3'
Protein context (NP_001012632.1, residues 166-186): LGIIGLGRVG[Gln176Arg]AVALRAKAFG

ClinVar aggregate classification (germline): Uncertain significance (1 of 4 stars; one submission).

Submission:

Labcorp Genetics (formerly Invitae), Labcorp
Classification: Uncertain significance. Last evaluated: 2023-12-07. Review status: criteria provided, single submitter. Criteria: Invitae Variant Classification Sherloc (09022015). Collection method: clinical testing. Allele origin: germline.
Comment: This sequence change replaces glutamine, which is neutral and polar, with arginine, which is basic and polar, at codon 187 of the CTBP1 protein (p.Gln187Arg). This variant is not present in population databases (gnomAD no frequency). This variant has not been reported in the literature in individuals affected with CTBP1-related conditions. Advanced modeling of protein sequence and biophysical properties (such as structural, functional, and spatial information, amino acid conservation, physicochemical variation, residue mobility, and thermodynamic stability) performed at Invitae indicates that this missense variant is not expected to disrupt CTBP1 protein function with a negative predictive value of 80%. In summary, the available evidence is currently insufficient to determine the role of this variant in disease. Therefore, it has been classified as a Variant of Uncertain Significance.